The following is an entry in ClinVar:

ClinVar aggregate classification (germline): Conflicting classifications of pathogenicity. Review status: criteria provided, conflicting classifications (1 of 4 stars). 4 submissions from 3 submitters: Likely pathogenic (1); Uncertain significance (2). 1 of the submissions does not count toward it. Last evaluated 2021-11-24.

Conditions:
Maturity-onset diabetes of the young (MODY). Also called: Maturity onset diabetes mellitus in young. Identifiers: Orphanet 552, MedGen C0342276, MONDO:0018911, HP:0004904.
Hyperinsulinemic hypoglycemia, familial, 1 (HHF1). Also called: HYPERINSULINISM, FAMILIAL, WITH PANCREATIC NESIDIOBLASTOSIS; HYPOGLYCEMIA, HYPERINSULINEMIC, OF INFANCY; Persistent hyperinsulinemic hypoglycemia of infancy; NESIDIOBLASTOSIS OF PANCREAS; Persistent Hyperinsulinemia Hypoglycemia of Infancy. Identifiers: Orphanet 276575, Orphanet 276598, MedGen C2931832, MONDO:0009734, OMIM 256450.
Transitory neonatal diabetes mellitus. Also called: Transient neonatal diabetes mellitus. Identifiers: MedGen C0342273, MONDO:0020525, HP:0008255.
Type 2 diabetes mellitus. Also called: Type II diabetes mellitus. Identifiers: MedGen C0011860, MeSH D003924, MONDO:0005148, OMIM 125853, HP:0005978.

Submissions (4):

Baylor Genetics
Classification: Likely pathogenic for Type 2 diabetes mellitus. Last evaluated: 2021-11-24. Review status: criteria provided, single submitter. Criteria: ACMG Guidelines, 2015. Collection method: clinical testing. Allele origin: unknown.

Clinical Genomics, Uppaluri K&H Personalized Medicine Clinic
Classification: Uncertain significance for Maturity-onset diabetes of the young. Review status: criteria provided, single submitter. Criteria: K & H Uppaluri Personalized Medicine Clinic Variant Classification & Assertion Criteria_Updated V.1. Collection method: research. Allele origin: unknown. Inheritance: Somatic mutation.
Comment: Mutations in ABCC8 gene are associated with both neonatal diabetes mellitus as well as MODY. Patients with this mutation may have a better response to sulfonylureas. However, no sufficient evidence is found to ascertain the role of this particular variant ( rs1554946437) in MODY yet.

Clinical Genomics, Uppaluri K&H Personalized Medicine Clinic
Classification: Uncertain significance for Transitory neonatal diabetes mellitus. Review status: criteria provided, single submitter. Criteria: K & H Uppaluri Personalized Medicine Clinic Variant Classification & Assertion Criteria_Updated V.1. Collection method: research. Allele origin: unknown. Inheritance: Somatic mutation.
Comment: Mutations in ABCC8 gene are associated with both neonatal diabetes mellitus as well as MODY. Patients with this mutation may have a better response to sulfonylureas. However, no sufficient evidence is found to ascertain the role of this particular variant ( rs1554946437) in neonatal diabetes yet.

Counsyl
Classification: Likely pathogenic for Hyperinsulinemic hypoglycemia, familial, 1. Last evaluated: 2016-12-28. Review status: no assertion criteria provided. Collection method: clinical testing. Allele origin: unknown. Not counted in ClinVar's aggregate classification.

Literature cited by the submitters: PubMed 16885549 (cited by Clinical Genomics, Uppaluri K&H Personalized Medicine Clinic); PubMed 21989597 (cited by Clinical Genomics, Uppaluri K&H Personalized Medicine Clinic); PubMed 27538677 (cited by Clinical Genomics, Uppaluri K&H Personalized Medicine Clinic); PubMed 18981553 (cited by Clinical Genomics, Uppaluri K&H Personalized Medicine Clinic); PubMed 32027066 (cited by Clinical Genomics, Uppaluri K&H Personalized Medicine Clinic); PubMed 16613899 (cited by Clinical Genomics, Uppaluri K&H Personalized Medicine Clinic); PubMed 18025408 (cited by Clinical Genomics, Uppaluri K&H Personalized Medicine Clinic); PubMed 32792356 (cited by Clinical Genomics, Uppaluri K&H Personalized Medicine Clinic).

NM_000352.6(ABCC8):c.369_370dup (p.Tyr124fs)

Gene: ABCC8 (ATP binding cassette subfamily C member 8; minus strand). Cytogenetic location: 11p15.1.
Variant type: Duplication.
Coding change: c.369_370dup on transcript NM_000352.6 (MANE Select); coding-DNA positions 369 to 370, 2 bases duplicated (CT; older notation c.369_370dupCT).
Protein change: p.Tyr124fs; shifts the reading frame from tyrosine 124.
Molecular consequence: frameshift variant. On other transcripts: non-coding transcript variant (1).
Genome position (GRCh38, 1-based): chr11:17,470,143-17,470,144, AG duplicated on the plus strand (CT on the coding strand, the reverse complement: ABCC8 is on the minus strand). VCF-style (leftmost placement, unchanged base first): chr11-17470142-T-TAG. GRCh37 (hg19) VCF-style: chr11-17491689-T-TAG.
Other names: c.369_370dup, p.Tyr124fs (NM_001287174.3, NM_001351295.2, NM_001351296.2 and 1 more transcripts); short protein forms Y124fs.
Identifiers: ClinVar variation 550095 (VCV000550095.5), dbSNP rs1554946437, ClinGen allele CA658821546.